The following is an entry in ClinVar:

ClinVar aggregate classification (germline): Uncertain significance. Review status: criteria provided, multiple submitters, no conflicts (2 of 4 stars). 2 submissions from 2 submitters: Uncertain significance (2). Last evaluated 2024-02-28.

Conditions:
Epidermolysis bullosa, junctional 6, with pyloric atresia. Also called: ITGA6-Related Epidermolysis Bullosa with Pyloric Atresia. Identifiers: MedGen C5676957, MONDO:0859233, OMIM 619817.

gnomAD v4.1: 6 of 1,608,504 alleles (0.00037%); highest among the groups gnomAD compares: Admixed American, 0.0017%; no homozygotes.

Submissions (2):

Fulgent Genetics
Classification: Uncertain significance for Epidermolysis bullosa, junctional 6, with pyloric atresia. Last evaluated: 2024-02-28. Review status: criteria provided, single submitter. Criteria: ACMG Guidelines, 2015. Collection method: clinical testing. Allele origin: germline.

Labcorp Genetics (formerly Invitae), Labcorp
Classification: Uncertain significance. Last evaluated: 2023-08-04. Review status: criteria provided, single submitter. Criteria: Invitae Variant Classification Sherloc (09022015). Collection method: clinical testing. Allele origin: germline.
Comment: In summary, the available evidence is currently insufficient to determine the role of this variant in disease. Therefore, it has been classified as a Variant of Uncertain Significance. Algorithms developed to predict the effect of sequence changes on RNA splicing suggest that this variant may create or strengthen a splice site. ClinVar contains an entry for this variant (Variation ID: 2192222). This variant has not been reported in the literature in individuals affected with ITGA6-related conditions. This sequence change affects codon 994 of the ITGA6 mRNA. It is a 'silent' change, meaning that it does not change the encoded amino acid sequence of the ITGA6 protein. This variant is present in population databases (no rsID available, gnomAD 0.003%).

NM_000210.4(ITGA6):c.2982C>T (p.Gly994=)

Genes: PDK1-AS1 (PDK1 and ITGA6 antisense RNA 1; minus strand), ITGA6 (integrin subunit alpha 6; plus strand). Cytogenetic location: 2q31.1.
Variant type: single nucleotide variant.
Coding change: c.2982C>T on transcript NM_000210.4 (MANE Select); coding-DNA position 2982, C replaced by T.
Protein change: p.Gly994=; no amino-acid change (glycine 994 retained).
Molecular consequence: synonymous variant.
Genome position (GRCh38, 1-based): chr2:172,491,517, C>T. VCF-style: chr2-172491517-C-T. GRCh37 (hg19) VCF-style: chr2-173356245-C-T.
Other names: c.2982C>T, p.Gly994= (NM_001079818.3); c.2625C>T, p.Gly875= (NM_001316306.2); c.2937C>T, p.Gly979= (NM_001365529.2, NM_001365530.2); c.3099C>T, p.Gly1033= (NM_001394928.1).
Identifiers: ClinVar variation 2192222 (VCV002192222.5), dbSNP rs970772074, ClinGen allele CA60690039.